The following is an entry in ClinVar:

ClinVar aggregate classification (germline): Pathogenic (1 of 4 stars; one submission).

Conditions:
Cardiovascular phenotype. Identifiers: MedGen CN230736.

Submission:

Ambry Genetics
Classification: Pathogenic for Cardiovascular phenotype. Last evaluated: 2018-06-05. Review status: criteria provided, single submitter. Criteria: Ambry Variant Classification Scheme 2023. Collection method: clinical testing. Allele origin: germline.
Comment: The c.2807delC pathogenic mutation, located in coding exon 27 of the MYBPC3 gene, results from a deletion of one nucleotide at nucleotide position 2807, causing a translational frameshift with a predicted alternate stop codon (p.T936Rfs*27). This alteration is expected to result in loss of function by premature protein truncation or nonsense-mediated mRNA decay. As such, this alteration is interpreted as a disease-causing mutation.

NM_000256.3(MYBPC3):c.2807del (p.Thr936fs)

Gene: MYBPC3 (myosin binding protein C3; minus strand). Cytogenetic location: 11p11.2.
Variant type: Deletion.
Coding change: c.2807del on transcript NM_000256.3 (MANE Select); coding-DNA position 2807, one base deleted (C; older notation c.2807delC).
Protein change: p.Thr936fs; shifts the reading frame from threonine 936.
Molecular consequence: frameshift variant.
Genome position (GRCh38, 1-based): chr11:47,335,140, G deleted on the plus strand (C on the coding strand, the reverse complement: MYBPC3 is on the minus strand). VCF-style (leftmost placement, unchanged base first): chr11-47335139-CG-C. GRCh37 (hg19) VCF-style: chr11-47356690-CG-C.
Other names: c.2807delC (NM_000256.3); short protein forms T936fs.
Identifiers: ClinVar variation 1796278 (VCV001796278.2), dbSNP rs2495744494, ClinGen allele CA2580084266.